The following is an entry in ClinVar:

NM_015474.4(SAMHD1):c.1711C>A (p.Gln571Lys)

Gene: SAMHD1 (SAM and HD domain containing deoxynucleoside triphosphate triphosphohydrolase 1; minus strand). Cytogenetic location: 20q11.23.
Variant type: single nucleotide variant.
Coding change: c.1711C>A on transcript NM_015474.4 (MANE Select); coding-DNA position 1711, C replaced by A.
Protein change: p.Gln571Lys; replaces glutamine 571 with lysine.
Molecular consequence: missense variant.
Genome position (GRCh38, 1-based): chr20:36,897,857, G>T on the plus strand (C>A on the coding strand, the complement: SAMHD1 is on the minus strand). VCF-style: chr20-36897857-G-T. GRCh37 (hg19) VCF-style: chr20-35526260-G-T.
Other names: c.1606C>A, p.Gln536Lys (NM_001363729.2); c.1711C>A, p.Gln571Lys (NM_001363733.2); short protein forms Q536K, Q571K.
Identifiers: ClinVar variation 841597 (VCV000841597.9), dbSNP rs1990225699, ClinGen allele CA408839390.

ClinVar aggregate classification (germline): Uncertain significance (1 of 4 stars; one submission).

Conditions:
Aicardi-Goutieres syndrome 5. Identifiers: Orphanet 51, MedGen C2749659, MONDO:0013059, OMIM 612952.

Submission:

Labcorp Genetics (formerly Invitae), Labcorp
Classification: Uncertain significance for Aicardi-Goutieres syndrome 5. Last evaluated: 2019-02-18. Review status: criteria provided, single submitter. Criteria: Invitae Variant Classification Sherloc (09022015). Collection method: clinical testing. Allele origin: germline.
Comment: This sequence change replaces glutamine with lysine at codon 571 of the SAMHD1 protein (p.Gln571Lys). The glutamine residue is weakly conserved and there is a small physicochemical difference between glutamine and lysine. In summary, the available evidence is currently insufficient to determine the role of this variant in disease. Therefore, it has been classified as a Variant of Uncertain Significance. Algorithms developed to predict the effect of missense changes on protein structure and function (SIFT, PolyPhen-2, Align-GVGD) all suggest that this variant is likely to be tolerated, but these predictions have not been confirmed by published functional studies and their clinical significance is uncertain. This variant has not been reported in the literature in individuals with SAMHD1-related conditions. This variant is not present in population databases (ExAC no frequency).